The following is an entry in ClinVar:

ClinVar aggregate classification (germline): Uncertain significance. Review status: criteria provided, multiple submitters, no conflicts (2 of 4 stars). 2 submissions from 2 submitters: Uncertain significance (2). Last evaluated 2024-11-03.

Conditions:
Familial cancer of breast. Also called: BREAST CANCER, FAMILIAL; hereditary breast carcinoma; Hereditary breast cancer. Identifiers: Orphanet 227535, MedGen C0346153, MONDO:0016419, OMIM 114480. Disease mechanism: loss of function.

Allele frequency attached by ClinVar (database versions not stated): gnomAD exomes below 0.00001.
gnomAD v4.1: 1 of 1,613,928 alleles (0.000062%); highest among the groups gnomAD compares: Non-Finnish European, 0.000085%; no homozygotes.

Submissions (2):

Labcorp Genetics (formerly Invitae), Labcorp
Classification: Uncertain significance for Familial cancer of breast. Last evaluated: 2024-11-03. Review status: criteria provided, single submitter. Criteria: Invitae Variant Classification Sherloc (09022015). Collection method: clinical testing. Allele origin: germline.
Comment: This sequence change replaces aspartic acid, which is acidic and polar, with glycine, which is neutral and non-polar, at codon 101 of the CHEK2 protein (p.Asp101Gly). This variant is not present in population databases (gnomAD no frequency). This variant has not been reported in the literature in individuals affected with CHEK2-related conditions. ClinVar contains an entry for this variant (Variation ID: 571620). An algorithm developed to predict the effect of missense changes on protein structure and function (PolyPhen-2) suggests that this variant is likely to be tolerated. In summary, the available evidence is currently insufficient to determine the role of this variant in disease. Therefore, it has been classified as a Variant of Uncertain Significance.

CeGaT Center for Human Genetics Tuebingen
Classification: Uncertain significance. Last evaluated: 2024-04-01. Review status: criteria provided, single submitter. Criteria: CeGaT Center For Human Genetics Tuebingen Variant Classification Criteria Version 2. Collection method: clinical testing. Allele origin: germline. Affected: yes. Observed: 1 variant allele.
Comment: CHEK2: PM2, BP1

NM_007194.4(CHEK2):c.302A>G (p.Asp101Gly)

Gene: CHEK2 (checkpoint kinase 2; minus strand). Cytogenetic location: 22q12.1.
Variant type: single nucleotide variant.
Coding change: c.302A>G on transcript NM_007194.4 (MANE Select); coding-DNA position 302, A replaced by G.
Protein change: p.Asp101Gly; replaces aspartic acid 101 with glycine.
Molecular consequence: missense variant.
Genome position (GRCh38, 1-based): chr22:28,734,420, T>C on the plus strand (A>G on the coding strand, the complement: CHEK2 is on the minus strand). VCF-style: chr22-28734420-T-C. GRCh37 (hg19) VCF-style: chr22-29130408-T-C.
Other names: c.302A>G, p.Asp101Gly (NM_001005735.3, NM_001349956.3, NM_145862.3); c.-476A>G (NM_001257387.3); short protein forms D101G.
Identifiers: ClinVar variation 571620 (VCV000571620.31), dbSNP rs1569169879, ClinGen allele CA411090256.